The following is an entry in ClinVar:

ClinVar aggregate classification (germline): Uncertain significance (1 of 4 stars; one submission).

Conditions:
Long QT syndrome (LQTS). Identifiers: MedGen C0023976, MeSH D008133, MONDO:0002442. Disease mechanism: loss of function. Inheritance: Various modes of inheritance.

Submission:

Labcorp Genetics (formerly Invitae), Labcorp
Classification: Uncertain significance for Long QT syndrome. Last evaluated: 2024-05-29. Review status: criteria provided, single submitter. Criteria: Invitae Variant Classification Sherloc (09022015). Collection method: clinical testing. Allele origin: germline.
Comment: This sequence change replaces glycine, which is neutral and non-polar, with aspartic acid, which is acidic and polar, at codon 238 of the KCNH2 protein (p.Gly238Asp). This variant is present in population databases (no rsID available, gnomAD 0.02%). This variant has not been reported in the literature in individuals affected with KCNH2-related conditions. An algorithm developed to predict the effect of missense changes on protein structure and function (PolyPhen-2) suggests that this variant is likely to be tolerated. In summary, the available evidence is currently insufficient to determine the role of this variant in disease. Therefore, it has been classified as a Variant of Uncertain Significance.

NM_000238.4(KCNH2):c.713G>A (p.Gly238Asp)

Gene: KCNH2 (potassium voltage-gated channel subfamily H member 2; minus strand). Cytogenetic location: 7q36.1.
Variant type: single nucleotide variant.
Coding change: c.713G>A on transcript NM_000238.4 (MANE Select); coding-DNA position 713, G replaced by A.
Protein change: p.Gly238Asp; replaces glycine 238 with aspartic acid.
Molecular consequence: missense variant. On other transcripts: non-coding transcript variant (1).
Genome position (GRCh38, 1-based): chr7:150,958,262, C>T on the plus strand (G>A on the coding strand, the complement: KCNH2 is on the minus strand). VCF-style: chr7-150958262-C-T. GRCh37 (hg19) VCF-style: chr7-150655350-C-T.
Other names: c.425G>A, p.Gly142Asp (NM_001406753.1, NM_001406756.1); c.536G>A, p.Gly179Asp (NM_001406755.1); c.413G>A, p.Gly138Asp (NM_001406757.1); c.713G>A, p.Gly238Asp (NM_172056.3); short protein forms G142D, G179D, G138D, G238D.
Identifiers: ClinVar variation 3713281 (VCV003713281.2).